The following is an entry in ClinVar:

ClinVar aggregate classification (germline): Uncertain significance. Review status: criteria provided, multiple submitters, no conflicts (2 of 4 stars). 4 submissions from 4 submitters: Uncertain significance (4). Last evaluated 2025-06-06.

Conditions:
Familial ovarian cancer. Identifiers: MedGen C5679802, MONDO:0016248.
Hereditary cancer-predisposing syndrome. Also called: Hereditary neoplastic syndrome; Neoplastic Syndromes, Hereditary; Tumor predisposition; Hereditary Cancer Syndrome. Identifiers: Orphanet 140162, MedGen C0027672, MeSH D009386, MONDO:0015356.
Fanconi anemia complementation group J. Also called: BRIP1-Related Fanconi Anemia. Identifiers: Orphanet 84, MedGen C1836860, MONDO:0012187, OMIM 609054.
Familial cancer of breast. Also called: BREAST CANCER, FAMILIAL; Hereditary breast cancer; hereditary breast carcinoma. Identifiers: Orphanet 227535, MedGen C0346153, MONDO:0016419, OMIM 114480. Disease mechanism: loss of function.

Allele frequency attached by ClinVar (database versions not stated): gnomAD exomes below 0.00001.
gnomAD v4.1: 1 of 1,613,790 alleles (0.000062%); highest among the groups gnomAD compares: Non-Finnish European, 0.000085%; no homozygotes.

Submissions (4):

Ambry Genetics
Classification: Uncertain significance for Hereditary cancer-predisposing syndrome. Last evaluated: 2025-06-06. Review status: criteria provided, single submitter. Criteria: Ambry Variant Classification Scheme 2023. Collection method: clinical testing. Allele origin: germline.
Comment: The p.C175G variant (also known as c.523T>G), located in coding exon 5 of the BRIP1 gene, results from a T to G substitution at nucleotide position 523. The cysteine at codon 175 is replaced by glycine, an amino acid with highly dissimilar properties. This amino acid position is well conserved in available vertebrate species. In addition, the in silico prediction for this alteration is inconclusive. Since supporting evidence is limited at this time, the clinical significance of this alteration remains unclear.

Labcorp Genetics (formerly Invitae), Labcorp
Classification: Uncertain significance for Familial cancer of breast; Fanconi anemia complementation group J. Last evaluated: 2024-08-22. Review status: criteria provided, single submitter. Criteria: Invitae Variant Classification Sherloc (09022015). Collection method: clinical testing. Allele origin: germline.
Comment: This sequence change replaces cysteine, which is neutral and slightly polar, with glycine, which is neutral and non-polar, at codon 175 of the BRIP1 protein (p.Cys175Gly). This variant is not present in population databases (gnomAD no frequency). This variant has not been reported in the literature in individuals affected with BRIP1-related conditions. ClinVar contains an entry for this variant (Variation ID: 481669). Invitae Evidence Modeling of protein sequence and biophysical properties (such as structural, functional, and spatial information, amino acid conservation, physicochemical variation, residue mobility, and thermodynamic stability) indicates that this missense variant is not expected to disrupt BRIP1 protein function with a negative predictive value of 80%. In summary, the available evidence is currently insufficient to determine the role of this variant in disease. Therefore, it has been classified as a Variant of Uncertain Significance.

GeneDx
Classification: Uncertain significance. Last evaluated: 2023-04-11. Review status: criteria provided, single submitter. Criteria: GeneDx Variant Classification Process June 2021. Collection method: clinical testing. Allele origin: germline. Affected: yes.
Comment: Not observed at significant frequency in large population cohorts (gnomAD); In silico analysis supports that this missense variant has a deleterious effect on protein structure/function; Has not been previously published as pathogenic or benign to our knowledge; This variant is associated with the following publications: (PMID: 11301010)

Department of Pathology and Laboratory Medicine, Sinai Health System
Classification: Uncertain significance for familial ovarian cancer. Last evaluated: 2021-07-30. Review status: criteria provided, single submitter. Criteria: ACMG Guidelines, 2015. Collection method: research. Allele origin: germline.

NM_032043.3(BRIP1):c.523T>G (p.Cys175Gly)

Gene: BRIP1 (BRCA1 interacting DNA helicase 1; minus strand). Cytogenetic location: 17q23.2.
Variant type: single nucleotide variant.
Coding change: c.523T>G on transcript NM_032043.3 (MANE Select); coding-DNA position 523, T replaced by G.
Protein change: p.Cys175Gly; replaces cysteine 175 with glycine.
Molecular consequence: missense variant.
Genome position (GRCh38, 1-based): chr17:61,847,205, A>C on the plus strand (T>G on the coding strand, the complement: BRIP1 is on the minus strand). VCF-style: chr17-61847205-A-C. GRCh37 (hg19) VCF-style: chr17-59924566-A-C.
Other names: short protein forms C175G.
Identifiers: ClinVar variation 481669 (VCV000481669.10), dbSNP rs546727788, ClinGen allele CA400483354.